The following is an entry in ClinVar:

NM_001001957.2(OR2W3):c.556C>G (p.Arg186Gly)

Gene: OR2W3 (olfactory receptor family 2 subfamily W member 3; plus strand). Cytogenetic location: 1q44.
Variant type: single nucleotide variant.
Coding change: c.556C>G on transcript NM_001001957.2 (MANE Select); coding-DNA position 556, C replaced by G.
Protein change: p.Arg186Gly; replaces arginine 186 with glycine.
Molecular consequence: missense variant.
Genome position (GRCh38, 1-based): chr1:247,896,142, C>G. VCF-style: chr1-247896142-C-G. GRCh37 (hg19) VCF-style: chr1-248059444-C-G.
Other names: short protein forms R186G.
Identifiers: ClinVar variation 1904815 (VCV001904815.6), dbSNP rs766648870, ClinGen allele CA345594120.

ClinVar aggregate classification (germline): Uncertain significance. Review status: criteria provided, multiple submitters, no conflicts (2 of 4 stars). 2 submissions from 2 submitters: Uncertain significance (2). Last evaluated 2024-06-07.

Submissions (2):

Ambry Genetics
Classification: Uncertain significance. Last evaluated: 2024-06-07. Review status: criteria provided, single submitter. Criteria: Ambry Variant Classification Scheme 2023. Collection method: clinical testing. Allele origin: germline.

Labcorp Genetics (formerly Invitae), Labcorp
Classification: Uncertain significance. Last evaluated: 2022-07-12. Review status: criteria provided, single submitter. Criteria: Invitae Variant Classification Sherloc (09022015). Collection method: clinical testing. Allele origin: germline.
Comment: This variant has not been reported in the literature in individuals affected with OR2W3-related conditions. In summary, the available evidence is currently insufficient to determine the role of this variant in disease. Therefore, it has been classified as a Variant of Uncertain Significance. Algorithms developed to predict the effect of missense changes on protein structure and function (SIFT, PolyPhen-2, Align-GVGD) all suggest that this variant is likely to be disruptive. This variant is present in population databases (no rsID available, gnomAD 0.006%). This sequence change replaces arginine, which is basic and polar, with glycine, which is neutral and non-polar, at codon 186 of the OR2W3 protein (p.Arg186Gly).